The following is an entry in ClinVar:

NM_006031.6(PCNT):c.2710C>T (p.Leu904Phe)

Gene: PCNT (pericentrin; plus strand). Cytogenetic location: 21q22.3.
Variant type: single nucleotide variant.
Coding change: c.2710C>T on transcript NM_006031.6 (MANE Select); coding-DNA position 2710, C replaced by T.
Protein change: p.Leu904Phe; replaces leucine 904 with phenylalanine.
Molecular consequence: missense variant.
Genome position (GRCh38, 1-based): chr21:46,366,684, C>T. VCF-style: chr21-46366684-C-T. GRCh37 (hg19) VCF-style: chr21-47786599-C-T.
Other names: c.2356C>T, p.Leu786Phe (NM_001315529.2); short protein forms L904F, L786F.
Identifiers: ClinVar variation 159576 (VCV000159576.9), dbSNP rs61735804, ClinGen allele CA251037.

ClinVar aggregate classification (germline): Uncertain significance. Review status: criteria provided, multiple submitters, no conflicts (2 of 4 stars). 4 submissions from 4 submitters: Uncertain significance (4). Last evaluated 2026-01-09.

Conditions:
PCNT-related disorder. Also called: PCNT-related condition.
Microcephalic osteodysplastic primordial dwarfism type II (MOPD2). Also called: Microcephalic osteodysplastic primordial dwarfism with tooth abnormalities; MOPD II; OSTEODYSPLASTIC PRIMORDIAL DWARFISM, TYPE II. Identifiers: Orphanet 2637, MedGen C0432246, MONDO:0008872, OMIM 210720.

Allele frequency attached by ClinVar (database versions not stated): gnomAD exomes 0.00004 and 0.00007; TOPMed 0.00005; ExAC 0.00006; gnomAD 0.00006 and 0.00007; ESP Exome Variant Server 0.00015.
gnomAD v4.1: 67 of 1,613,760 alleles (0.0042%); highest among the groups gnomAD compares: Non-Finnish European, 0.0055%; no homozygotes.

Submissions (4):

PreventionGenetics, part of Exact Sciences
Classification: Uncertain significance for PCNT-related condition. Last evaluated: 2026-01-09. Review status: criteria provided, single submitter. Criteria: ACMG Guidelines, 2015. Collection method: clinical testing. Allele origin: germline.
Comment: The PCNT c.2710C>T variant is predicted to result in the amino acid substitution p.Leu904Phe. To our knowledge, this variant has not been reported in the literature. This variant is reported in 0.012% of alleles in individuals of European (Non-Finnish) descent in gnomAD. At this time, the clinical significance of this variant is uncertain due to the absence of conclusive functional and genetic evidence.

Blueprint Genetics
Classification: Uncertain significance. Last evaluated: 2024-06-06. Review status: criteria provided, single submitter. Criteria: ACMG Guidelines, 2015. Collection method: clinical testing. Allele origin: germline.

Fulgent Genetics
Classification: Uncertain significance for Microcephalic osteodysplastic primordial dwarfism type II. Last evaluated: 2021-09-01. Review status: criteria provided, single submitter. Criteria: ACMG Guidelines, 2015. Collection method: clinical testing. Allele origin: unknown.

Genetic Services Laboratory, University of Chicago
Classification: Uncertain significance for Microcephalic osteodysplastic primordial dwarfism, type II. Last evaluated: 2013-02-08. Review status: criteria provided, single submitter. Criteria: ACMG Guidelines, 2007. Collection method: clinical testing. Allele origin: germline. Inheritance: Autosomal recessive inheritance.